The following is an entry in ClinVar:

NM_078480.3(PUF60):c.1489A>G (p.Ile497Val)

Gene: PUF60 (poly(U) binding splicing factor 60; minus strand). Cytogenetic location: 8q24.3.
Variant type: single nucleotide variant.
Coding change: c.1489A>G on transcript NM_078480.3 (MANE Select); coding-DNA position 1489, A replaced by G.
Protein change: p.Ile497Val; replaces isoleucine 497 with valine.
Molecular consequence: missense variant.
Genome position (GRCh38, 1-based): chr8:143,816,711, T>C on the plus strand (A>G on the coding strand, the complement: PUF60 is on the minus strand). VCF-style: chr8-143816711-T-C. GRCh37 (hg19) VCF-style: chr8-144898881-T-C.
Other names: c.1360A>G, p.Ile454Val (NM_001136033.3); c.1435A>G, p.Ile479Val (NM_001271096.2); c.1351A>G, p.Ile451Val (NM_001271097.2); c.1486A>G, p.Ile496Val (NM_001271098.2); c.1402A>G, p.Ile468Val (NM_001271099.2); c.1309A>G, p.Ile437Val (NM_001271100.2); c.1600A>G, p.Ile534Val (NM_001362895.2, NM_001362896.2); c.1549A>G, p.Ile517Val (NM_001362897.2); and 2 more; short protein forms I437V, I454V, I534V, I451V, I479V, I517V, I468V, I480V.
Identifiers: ClinVar variation 1031058 (VCV001031058.2), dbSNP rs756399764, ClinGen allele CA187615578.

ClinVar aggregate classification (germline): Uncertain significance. Review status: criteria provided, multiple submitters, no conflicts (2 of 4 stars). 2 submissions from 2 submitters: Uncertain significance (2). Last evaluated 2021-06-18.

Conditions:
Inborn genetic diseases. Identifiers: MedGen C0950123, MeSH D030342.
8q24.3 microdeletion syndrome. Also called: CHROMOSOME 8q24.3 DELETION SYNDROME; Verheij syndrome. Identifiers: Orphanet 508488, MedGen C3810023, MONDO:0014263, OMIM 615583.

Allele frequency attached by ClinVar (database versions not stated): TOPMed below 0.00001; ExAC 0.00001; gnomAD 0.00001; gnomAD exomes 0.00001.
gnomAD v4.1: 15 of 1,613,738 alleles (0.00093%); highest among the groups gnomAD compares: East Asian, 0.0022%; no homozygotes.

Submissions (2):

Ambry Genetics
Classification: Uncertain significance for Inborn genetic diseases. Last evaluated: 2021-06-18. Review status: criteria provided, single submitter. Criteria: Ambry Variant Classification Scheme 2023. Collection method: clinical testing. Allele origin: germline.

Baylor Genetics
Classification: Uncertain significance for 8q24.3 microdeletion syndrome. Last evaluated: 2020-02-06. Review status: criteria provided, single submitter. Criteria: ACMG Guidelines, 2015. Collection method: clinical testing. Allele origin: unknown. Affected: yes.
Comment: This variant was determined to be of uncertain significance according to ACMG Guidelines, 2015 [PMID:25741868].